The following is an entry in ClinVar:

ClinVar aggregate classification (germline): Likely pathogenic (1 of 4 stars; one submission).

Conditions:
PPARG-related familial partial lipodystrophy. Also called: LIPODYSTROPHY, FAMILIAL PARTIAL, ASSOCIATED WITH PPARG MUTATIONS. Identifiers: Orphanet 79083, MedGen C1720861, MONDO:0011448, OMIM 604367.

Submission:

Molecular Genetics, Royal Melbourne Hospital
Classification: Likely pathogenic for PPARG-related familial partial lipodystrophy. Last evaluated: 2021-10-04. Review status: criteria provided, single submitter. Criteria: ACMG Guidelines, 2015. Collection method: clinical testing. Allele origin: germline. Affected: yes.
Comment: This sequence change in PPARG is a nonsense variant predicted to cause a premature stop codon (p.(Gln283*)) in biologically-relevant-exon 7/8 leading to nonsense mediated decay in a gene in which loss-of-function is an established disease mechanism (PMID: 10622252, 12453919). This variant is absent from gnomAD v2.1 and v3.1. To our knowledge, this variant has not been reported in the literature in any individuals with endocrine disorders. Based on the classification scheme RMH Modified ACMG Guidelines v1.4.0, this variant is classified as LIKELY PATHOGENIC. Following criteria are met: PVS1, PM2_Supporting.

Literature cited by the submitters: PubMed 10622252; PubMed 12453919.

NM_138711.6(PPARG):c.841C>T (p.Gln281Ter)

Gene: PPARG (peroxisome proliferator activated receptor gamma; plus strand). Cytogenetic location: 3p25.2.
Variant type: single nucleotide variant.
Coding change: c.841C>T on transcript NM_138711.6 (MANE Select); coding-DNA position 841, C replaced by T.
Protein change: p.Gln281Ter; replaces glutamine 281 with a stop codon.
Molecular consequence: nonsense. On other transcripts: intron variant (5).
Genome position (GRCh38, 1-based): chr3:12,416,815, C>T. VCF-style: chr3-12416815-C-T. GRCh37 (hg19) VCF-style: chr3-12458314-C-T.
Other names: c.841C>T, p.Gln281Ter (NM_001354666.3, NM_001354667.3, NM_001374263.2 and 3 more transcripts); c.214C>T, p.Gln72Ter (NM_001354669.2); c.931C>T, p.Gln311Ter (NM_015869.5); c.729+10734C>T (NM_001374261.3, NM_001374262.3, NM_001330615.4); c.653+10816C>T (NM_001374266.1); c.819+10734C>T (NM_001374265.1); short protein forms Q281*, Q311*, Q72*.
Identifiers: ClinVar variation 1676242 (VCV001676242.2), dbSNP rs2125284331, ClinGen allele CA351619347.
Genomic context (GRCh38, chr3:12,416,815, plus strand): 5'-AAGTTCAAACACATCACCCCCCTGCAGGAGCAGAGCAAAGAGGTGGCCATCCGCATCTTT[C>T]AGGGCTGCCAGTTTCGCTCCGTGGAGGCTGTGCAGGAGATCACAGAGTATGCCAAAAGCA-3'